The following is an entry in ClinVar:

NM_004385.5(VCAN):c.1976C>T (p.Ser659Phe)

Gene: VCAN (versican; plus strand). Cytogenetic location: 5q14.3.
Variant type: single nucleotide variant.
Coding change: c.1976C>T on transcript NM_004385.5 (MANE Select); coding-DNA position 1976, C replaced by T.
Protein change: p.Ser659Phe; replaces serine 659 with phenylalanine.
Molecular consequence: missense variant. On other transcripts: intron variant (2).
Genome position (GRCh38, 1-based): chr5:83,520,282, C>T. VCF-style: chr5-83520282-C-T. GRCh37 (hg19) VCF-style: chr5-82816101-C-T.
Other names: c.1976C>T, p.Ser659Phe (NM_001164098.2); c.1042+7886C>T (NM_001164097.2, NM_001126336.3); short protein forms S659F.
Identifiers: ClinVar variation 2718637 (VCV002718637.3), dbSNP rs1746029431, ClinGen allele CA360302389.

ClinVar aggregate classification (germline): Uncertain significance (1 of 4 stars; one submission).

Allele frequency attached by ClinVar (database versions not stated): gnomAD exomes below 0.00001.

Submission:

Labcorp Genetics (formerly Invitae), Labcorp
Classification: Uncertain significance. Last evaluated: 2023-06-17. Review status: criteria provided, single submitter. Criteria: Invitae Variant Classification Sherloc (09022015). Collection method: clinical testing. Allele origin: germline.
Comment: This variant is not present in population databases (gnomAD no frequency). In summary, the available evidence is currently insufficient to determine the role of this variant in disease. Therefore, it has been classified as a Variant of Uncertain Significance. An algorithm developed to predict the effect of missense changes on protein structure and function (PolyPhen-2) suggests that this variant is likely to be tolerated. This variant has not been reported in the literature in individuals affected with VCAN-related conditions. This sequence change replaces serine, which is neutral and polar, with phenylalanine, which is neutral and non-polar, at codon 659 of the VCAN protein (p.Ser659Phe).